The following is an entry in ClinVar:

ClinVar aggregate classification (germline): Benign/Likely benign. Review status: criteria provided, multiple submitters, no conflicts (2 of 4 stars). 6 submissions from 2 submitters: Benign (4); Likely benign (2). Last evaluated 2018-01-13.

Conditions:
Anophthalmia-microphthalmia syndrome. Also called: Anophthalmia/Microphthalmia; Anophthalmia - microphthalmia. Identifiers: Orphanet 98555, MedGen C5680330, MONDO:0020147.
carboxymethyl-dextran-A2-gadolinium-DOTA.
11p partial monosomy syndrome (WAGR). Also called: WAGR Spectrum Disorder; WAGR syndrome; WAGR Complex; CHROMOSOME 11p13 DELETION SYNDROME. Identifiers: Orphanet 893, MedGen C0206115, MONDO:0008681, OMIM 194072.
Foveal hypoplasia 1. Also called: FOVEAL HYPOPLASIA 1 WITH OR WITHOUT ANTERIOR SEGMENT ANOMALIES AND/OR CATARACT; FOVEAL HYPOPLASIA 1 WITH ANTERIOR SEGMENT ANOMALIES. Identifiers: Orphanet 2253, MedGen C3805604, MONDO:0007628, OMIM 136520.
Autosomal dominant keratitis. Also called: Keratitis, hereditary. Identifiers: Orphanet 2334, MedGen C1835698, MONDO:0007848, OMIM 148190.

Allele frequency attached by ClinVar (database versions not stated): gnomAD 0.00120 and 0.00122; TOPMed 0.00122; gnomAD exomes 0.00122; 1000 Genomes Project 30x 0.00125; 1000 Genomes Project 0.00140.
gnomAD v4.1: 215 of 176,402 alleles (0.12%); highest among the groups gnomAD compares: Non-Finnish European, 0.19%; no homozygotes.

Submissions (6):

Illumina Laboratory Services, Illumina
Classification: Likely benign for Anophthalmia-microphthalmia syndrome. Last evaluated: 2018-01-13. Review status: criteria provided, single submitter. Criteria: ICSL Variant Classification Criteria 13 December 2019. Collection method: clinical testing. Allele origin: germline.
Comment: This variant was observed in the ICSL laboratory as part of a predisposition screen in an ostensibly healthy population. It had not been previously curated by ICSL or reported in the Human Gene Mutation Database (HGMD: prior to June 1st, 2018), and was therefore a candidate for classification through an automated scoring system. Utilizing variant allele frequency, disease prevalence and penetrance estimates, and inheritance mode, an automated score was calculated to assess if this variant is too frequent to cause the disease. Based on the score and internal cut-off values, a variant classified as likely benign is not then subjected to further curation. The score for this variant resulted in a classification of likely benign for this disease.

Illumina Laboratory Services, Illumina
Classification: Benign for Autosomal dominant keratitis. Last evaluated: 2018-01-13. Review status: criteria provided, single submitter. Criteria: ICSL Variant Classification Criteria 13 December 2019. Collection method: clinical testing. Allele origin: germline.
Comment: This variant was observed in the ICSL laboratory as part of a predisposition screen in an ostensibly healthy population. It had not been previously curated by ICSL or reported in the Human Gene Mutation Database (HGMD: prior to June 1st, 2018), and was therefore a candidate for classification through an automated scoring system. Utilizing variant allele frequency, disease prevalence and penetrance estimates, and inheritance mode, an automated score was calculated to assess if this variant is too frequent to cause the disease. Based on the score and internal cut-off values, a variant classified as benign is not then subjected to further curation. The score for this variant resulted in a classification of benign for this disease.

Illumina Laboratory Services, Illumina
Classification: Benign for Wilms tumor, aniridia, genitourinary anomalies, and mental retardation syndrome. Last evaluated: 2018-01-13. Review status: criteria provided, single submitter. Criteria: ICSL Variant Classification Criteria 13 December 2019. Collection method: clinical testing. Allele origin: germline.
Comment: the same text as in the submission from Illumina Laboratory Services, Illumina above.

Illumina Laboratory Services, Illumina
Classification: Benign for Foveal hypoplasia 1. Last evaluated: 2018-01-13. Review status: criteria provided, single submitter. Criteria: ICSL Variant Classification Criteria 13 December 2019. Collection method: clinical testing. Allele origin: germline.
Comment: the same text as in the submission from Illumina Laboratory Services, Illumina above.

Illumina Laboratory Services, Illumina
Classification: Benign for carboxymethyl-dextran-A2-gadolinium-DOTA. Last evaluated: 2018-01-13. Review status: criteria provided, single submitter. Criteria: ICSL Variant Classification Criteria 13 December 2019. Collection method: clinical testing. Allele origin: germline.
Comment: the same text as in the submission from Illumina Laboratory Services, Illumina above.

Breakthrough Genomics
Classification: Likely benign. Review status: criteria provided, single submitter. Criteria: ACMG Guidelines, 2015. Collection method: not provided. Allele origin: germline. Inheritance: Autosomal dominant inheritance. Affected: yes.

NM_000280.4(PAX6):c.*5108A>G

Genes: ELP4 (elongator acetyltransferase complex subunit 4; plus strand), PAX6 (paired box 6; minus strand). Cytogenetic location: 11p13.
Variant type: single nucleotide variant.
Coding change: c.*5108A>G on transcript NM_000280.4; 5108 bases downstream of the stop codon, A replaced by G.
Molecular consequence: 3 prime UTR variant (on NM_019040.5).
Genome position (GRCh38, 1-based): chr11:31,784,826, T>C on the plus strand (A>G on the coding strand, the complement: PAX6 is on the minus strand). VCF-style: chr11-31784826-T-C. GRCh37 (hg19) VCF-style: chr11-31806374-T-C.
Other names: c.*1288T>C (NM_001288725.2); c.*1397T>C (NM_001288726.2); c.*1302T>C (NM_019040.5).
Identifiers: ClinVar variation 304289 (VCV000304289.9), dbSNP rs146579778, ClinGen allele CA10634537.